The following is an entry in ClinVar:

ClinVar aggregate classification (germline): Uncertain significance. Review status: criteria provided, multiple submitters, no conflicts (2 of 4 stars). 2 submissions from 2 submitters: Uncertain significance (2). Last evaluated 2024-09-30.

Conditions:
Inborn genetic diseases. Identifiers: MedGen C0950123, MeSH D030342.

Allele frequency attached by ClinVar (database versions not stated): gnomAD exomes 0.00002 and 0.00006; ExAC 0.00009; ESP Exome Variant Server 0.00025; TOPMed 0.00025; gnomAD 0.00029 and 0.00034; 1000 Genomes Project 30x 0.00078; 1000 Genomes Project 0.00080.
gnomAD v4.1: 70 of 1,613,780 alleles (0.0043%); highest among the groups gnomAD compares: African/African-American, 0.092%; no homozygotes.

Submissions (2):

Ambry Genetics
Classification: Uncertain significance for Inborn genetic diseases. Last evaluated: 2024-09-30. Review status: criteria provided, single submitter. Criteria: Ambry Variant Classification Scheme 2023. Collection method: clinical testing. Allele origin: germline.

Labcorp Genetics (formerly Invitae), Labcorp
Classification: Uncertain significance. Last evaluated: 2022-08-16. Review status: criteria provided, single submitter. Criteria: Invitae Variant Classification Sherloc (09022015). Collection method: clinical testing. Allele origin: germline.
Comment: This sequence change replaces proline, which is neutral and non-polar, with leucine, which is neutral and non-polar, at codon 1697 of the PCLO protein (p.Pro1697Leu). This variant is present in population databases (rs199854284, gnomAD 0.1%). This variant has not been reported in the literature in individuals affected with PCLO-related conditions. ClinVar contains an entry for this variant (Variation ID: 1428923). Algorithms developed to predict the effect of missense changes on protein structure and function are either unavailable or do not agree on the potential impact of this missense change (SIFT: "Deleterious"; PolyPhen-2: "Not Available"; Align-GVGD: "Class C0"). In summary, the available evidence is currently insufficient to determine the role of this variant in disease. Therefore, it has been classified as a Variant of Uncertain Significance.

NM_033026.6(PCLO):c.5090C>T (p.Pro1697Leu)

Gene: PCLO (piccolo presynaptic cytomatrix protein; minus strand). Cytogenetic location: 7q21.11.
Variant type: single nucleotide variant.
Coding change: c.5090C>T on transcript NM_033026.6 (MANE Select); coding-DNA position 5090, C replaced by T.
Protein change: p.Pro1697Leu; replaces proline 1697 with leucine.
Molecular consequence: missense variant.
Genome position (GRCh38, 1-based): chr7:82,955,863, G>A on the plus strand (C>T on the coding strand, the complement: PCLO is on the minus strand). VCF-style: chr7-82955863-G-A. GRCh37 (hg19) VCF-style: chr7-82585179-G-A.
Other names: c.5090C>T, p.Pro1697Leu (NM_014510.3); c.5090C>T (NM_033026.5); short protein forms P1697L.
Identifiers: ClinVar variation 1428923 (VCV001428923.4), dbSNP rs199854284, ClinGen allele CA4320708.